The following is an entry in ClinVar:

ClinVar aggregate classification (germline): Conflicting classifications of pathogenicity. Review status: criteria provided, conflicting classifications (1 of 4 stars). 3 submissions from 3 submitters: Likely pathogenic (1); Uncertain significance (1). 1 of the submissions does not count toward it. Last evaluated 2025-07-16.

Conditions:
Decreased circulating alkaline phosphatase activity. Identifiers: MedGen C1860130, HP:0003282.

Allele frequency attached by ClinVar (database versions not stated): gnomAD exomes below 0.00001; gnomAD 0.00001; TOPMed 0.00001.
gnomAD v4.1: 3 of 1,607,324 alleles (0.00019%); highest among the groups gnomAD compares: Non-Finnish European, 0.00025%; no homozygotes.

Submissions (3):

Women's Health and Genetics/Laboratory Corporation of America, LabCorp
Classification: Uncertain significance. Last evaluated: 2025-07-16. Review status: criteria provided, single submitter. Criteria: LabCorp Variant Classification Summary - May 2015. Collection method: clinical testing. Allele origin: germline.
Comment: Variant summary: ALPL c.1454C>T (p.Ala485Val) results in a non-conservative amino acid change in the encoded protein sequence. Algorithms developed to predict the effect of missense changes on protein structure and function all suggest that this variant is likely to be disruptive. The variant was absent in 243370 control chromosomes. The available data on variant occurrences in the general population are insufficient to allow any conclusion about variant significance. c.1454C>T has been observed in at least one individual affected with Hypophosphatasia, Autosomal Dominant (example: internal data). These data do not allow any conclusion about variant significance. To our knowledge, no experimental evidence demonstrating an impact on protein function has been reported. ClinVar contains an entry for this variant (Variation ID: 291309). Based on the evidence outlined above, the variant was classified as uncertain significance.

Labcorp Genetics (formerly Invitae), Labcorp
Classification: Likely pathogenic. Last evaluated: 2024-08-19. Review status: criteria provided, single submitter. Criteria: Invitae Variant Classification Sherloc (09022015). Collection method: clinical testing. Allele origin: germline.
Comment: This sequence change replaces alanine, which is neutral and non-polar, with valine, which is neutral and non-polar, at codon 485 of the ALPL protein (p.Ala485Val). This variant is not present in population databases (gnomAD no frequency). This missense change has been observed in individual(s) with clinical features of hypophosphatasia (Internal data). ClinVar contains an entry for this variant (Variation ID: 291309). Invitae Evidence Modeling of protein sequence and biophysical properties (such as structural, functional, and spatial information, amino acid conservation, physicochemical variation, residue mobility, and thermodynamic stability) indicates that this missense variant is expected to disrupt ALPL protein function with a positive predictive value of 95%. In summary, the currently available evidence indicates that the variant is pathogenic, but additional data are needed to prove that conclusively. Therefore, this variant has been classified as Likely Pathogenic.

Institute of Human Genetics, University of Wuerzburg
Classification: Likely pathogenic for Decreased circulating alkaline phosphatase activity. Review status: no assertion criteria provided. Collection method: clinical testing. Allele origin: unknown. Not counted in ClinVar's aggregate classification.

NM_000478.6(ALPL):c.1454C>T (p.Ala485Val)

Gene: ALPL (alkaline phosphatase, biomineralization associated; plus strand). Cytogenetic location: 1p36.12.
Variant type: single nucleotide variant.
Coding change: c.1454C>T on transcript NM_000478.6 (MANE Select); coding-DNA position 1454, C replaced by T.
Protein change: p.Ala485Val; replaces alanine 485 with valine.
Molecular consequence: missense variant.
Genome position (GRCh38, 1-based): chr1:21,577,527, C>T. VCF-style: chr1-21577527-C-T. GRCh37 (hg19) VCF-style: chr1-21904020-C-T.
Other names: c.1289C>T, p.Ala430Val (NM_001127501.4); c.1223C>T, p.Ala408Val (NM_001177520.3); c.1454C>T, p.Ala485Val (NM_001369803.2, NM_001369804.2, NM_001369805.2); short protein forms A485V, A430V, A408V.
Identifiers: ClinVar variation 291309 (VCV000291309.6), dbSNP rs886044912, ClinGen allele CA10607097.